The following is an entry in ClinVar:

NM_000136.3(FANCC):c.1107G>C (p.Lys369Asn)

Genes: AOPEP (aminopeptidase O (putative); plus strand), FANCC (FA complementation group C; minus strand). Cytogenetic location: 9q22.32.
Variant type: single nucleotide variant.
Coding change: c.1107G>C on transcript NM_000136.3 (MANE Select); coding-DNA position 1107, G replaced by C.
Protein change: p.Lys369Asn; replaces lysine 369 with asparagine.
Molecular consequence: missense variant.
Genome position (GRCh38, 1-based): chr9:95,114,676, C>G on the plus strand (G>C on the coding strand, the complement: FANCC is on the minus strand). VCF-style: chr9-95114676-C-G. GRCh37 (hg19) VCF-style: chr9-97876958-C-G.
Other names: c.1107G>C, p.Lys369Asn (NM_001243743.2, NM_001243744.2); short protein forms K369N.
Identifiers: ClinVar variation 4828909 (VCV004828909.1).
Genomic context (GRCh38, chr9:95,114,676, plus strand): 5'-AGTGTTTGCTCACCCATGAGTCTGGTCTTCAACTGCTTCTCTGAGCAGTTCAGAAATATG[C>G]TTCAGTGTCTGGAGCCAGTGTCCCCGAGGGATATCTGCGGGTGGAGAGAGATACGTCAGA-3'
Protein context (NP_000127.2, residues 359-379): IPRGHWLQTL[Lys369Asn]HISELLREAV

ClinVar aggregate classification (germline): Uncertain significance (1 of 4 stars; one submission).

Conditions:
Hereditary cancer-predisposing syndrome. Also called: Neoplastic Syndromes, Hereditary; Tumor predisposition; Hereditary Cancer Syndrome; Hereditary neoplastic syndrome. Identifiers: Orphanet 140162, MedGen C0027672, MeSH D009386, MONDO:0015356.

Submission:

Ambry Genetics
Classification: Uncertain significance for Hereditary cancer-predisposing syndrome. Last evaluated: 2026-01-09. Review status: criteria provided, single submitter. Criteria: Ambry Variant Classification Scheme 2023. Collection method: clinical testing. Allele origin: germline.
Comment: The p.K369N variant (also known as c.1107G>C), located in coding exon 11 of the FANCC gene, results from a G to C substitution at nucleotide position 1107. The lysine at codon 369 is replaced by asparagine, an amino acid with similar properties. This amino acid position is conserved. In addition, this alteration is predicted to be tolerated by in silico analysis. Based on the available evidence, the clinical significance of this variant remains unclear.